The following is an entry in ClinVar:

ClinVar aggregate classification (germline): Likely benign (1 of 4 stars; one submission).

gnomAD v4.1: 10,539 of 1,610,364 alleles (0.65%); highest among the groups gnomAD compares: Non-Finnish European, 0.82%; 58 homozygotes.

Submission:

CeGaT Center for Human Genetics Tuebingen
Classification: Likely benign. Last evaluated: 2024-10-01. Review status: criteria provided, single submitter. Criteria: CeGaT Center For Human Genetics Tuebingen Variant Classification Criteria Version 2. Collection method: clinical testing. Allele origin: germline. Affected: yes. Observed: 1 variant allele.
Comment: SFRP5: BS2

NM_003015.3(SFRP5):c.307G>A (p.Asp103Asn)

Gene: SFRP5 (secreted frizzled related protein 5; minus strand). Cytogenetic location: 10q24.2.
Variant type: single nucleotide variant.
Coding change: c.307G>A on transcript NM_003015.3 (MANE Select); coding-DNA position 307, G replaced by A.
Protein change: p.Asp103Asn; replaces aspartic acid 103 with asparagine.
Molecular consequence: missense variant.
Genome position (GRCh38, 1-based): chr10:97,771,527, C>T on the plus strand (G>A on the coding strand, the complement: SFRP5 is on the minus strand). VCF-style: chr10-97771527-C-T. GRCh37 (hg19) VCF-style: chr10-99531284-C-T.
Other names: short protein forms D103N.
Identifiers: ClinVar variation 3387989 (VCV003387989.14).